The following is an entry in ClinVar:

ClinVar aggregate classification (germline): Uncertain significance (1 of 4 stars; one submission).

Conditions:
Birt-Hogg-Dube syndrome. Also called: Birt Hogg Dubé syndrome. Identifiers: Orphanet 122, MedGen C0346010, MONDO:0800444.

Submission:

Labcorp Genetics (formerly Invitae), Labcorp
Classification: Uncertain significance for Birt-Hogg-Dube syndrome. Last evaluated: 2022-04-08. Review status: criteria provided, single submitter. Criteria: Invitae Variant Classification Sherloc (09022015). Collection method: clinical testing. Allele origin: germline.
Comment: This sequence change replaces methionine, which is neutral and non-polar, with isoleucine, which is neutral and non-polar, at codon 370 of the FLCN protein (p.Met370Ile). This variant is not present in population databases (gnomAD no frequency). This variant has not been reported in the literature in individuals affected with FLCN-related conditions. Algorithms developed to predict the effect of missense changes on protein structure and function (SIFT, PolyPhen-2, Align-GVGD) all suggest that this variant is likely to be tolerated. In summary, the available evidence is currently insufficient to determine the role of this variant in disease. Therefore, it has been classified as a Variant of Uncertain Significance.

NM_144997.7(FLCN):c.1110G>C (p.Met370Ile)

Gene: FLCN (folliculin; minus strand). Cytogenetic location: 17p11.2.
Variant type: single nucleotide variant.
Coding change: c.1110G>C on transcript NM_144997.7 (MANE Select); coding-DNA position 1110, G replaced by C.
Protein change: p.Met370Ile; replaces methionine 370 with isoleucine.
Molecular consequence: missense variant.
Genome position (GRCh38, 1-based): chr17:17,217,135, C>G on the plus strand (G>C on the coding strand, the complement: FLCN is on the minus strand). VCF-style: chr17-17217135-C-G. GRCh37 (hg19) VCF-style: chr17-17120449-C-G.
Other names: c.1164G>C, p.Met388Ile (NM_001353229.2); c.1110G>C, p.Met370Ile (NM_001353230.2, NM_001353231.2); short protein forms M370I, M388I.
Identifiers: ClinVar variation 2122946 (VCV002122946.4), dbSNP rs2544173395, ClinGen allele CA398532311.